The following is an entry in ClinVar:

NM_001378454.1(ALMS1):c.7714G>A (p.Ala2572Thr)

Gene: ALMS1 (ALMS1 centrosome and basal body associated protein; plus strand). Cytogenetic location: 2p13.1.
Variant type: single nucleotide variant.
Coding change: c.7714G>A on transcript NM_001378454.1 (MANE Select); coding-DNA position 7714, G replaced by A.
Protein change: p.Ala2572Thr; replaces alanine 2572 with threonine.
Molecular consequence: missense variant.
Genome position (GRCh38, 1-based): chr2:73,489,673, G>A. VCF-style: chr2-73489673-G-A. GRCh37 (hg19) VCF-style: chr2-73716800-G-A.
Other names: c.7717G>A, p.Ala2573Thr (NM_015120.4); short protein forms A2572T, A2573T.
Identifiers: ClinVar variation 1429639 (VCV001429639.3), dbSNP rs1171656515, ClinGen allele CA347263910.

ClinVar aggregate classification (germline): Uncertain significance (1 of 4 stars; one submission).

Conditions:
Alstrom syndrome (ALMS). Identifiers: Orphanet 64, MedGen C0268425, MONDO:0008763, OMIM 203800.

Allele frequency attached by ClinVar (database versions not stated): gnomAD exomes below 0.00001; gnomAD 0.00001.
gnomAD v4.1: 4 of 1,614,008 alleles (0.00025%); highest among the groups gnomAD compares: African/African-American, 0.0053%; no homozygotes.

Submission:

Labcorp Genetics (formerly Invitae), Labcorp
Classification: Uncertain significance for Alstrom syndrome. Last evaluated: 2022-06-06. Review status: criteria provided, single submitter. Criteria: Invitae Variant Classification Sherloc (09022015). Collection method: clinical testing. Allele origin: germline.
Comment: This sequence change replaces alanine, which is neutral and non-polar, with threonine, which is neutral and polar, at codon 2573 of the ALMS1 protein (p.Ala2573Thr). This variant is present in population databases (no rsID available, gnomAD 0.007%). This variant has not been reported in the literature in individuals affected with ALMS1-related conditions. ClinVar contains an entry for this variant (Variation ID: 1429639). Experimental studies and prediction algorithms are not available or were not evaluated, and the functional significance of this variant is currently unknown. In summary, the available evidence is currently insufficient to determine the role of this variant in disease. Therefore, it has been classified as a Variant of Uncertain Significance.